The following is an entry in ClinVar:

NM_001376.5(DYNC1H1):c.790C>T (p.Arg264Ter)

Gene: DYNC1H1 (dynein cytoplasmic 1 heavy chain 1; plus strand). Cytogenetic location: 14q32.31.
Variant type: single nucleotide variant.
Coding change: c.790C>T on transcript NM_001376.5 (MANE Select); coding-DNA position 790, C replaced by T.
Protein change: p.Arg264Ter; replaces arginine 264 with a stop codon.
Molecular consequence: nonsense.
Genome position (GRCh38, 1-based): chr14:101,980,379, C>T. VCF-style: chr14-101980379-C-T. GRCh37 (hg19) VCF-style: chr14-102446716-C-T.
Other names: short protein forms R264*.
Identifiers: ClinVar variation 2122222 (VCV002122222.4), dbSNP rs2503680472, ClinGen allele CA391009507.

ClinVar aggregate classification (germline): Uncertain significance (1 of 4 stars; one submission).

Conditions:
Charcot-Marie-Tooth disease axonal type 2O. Also called: CHARCOT-MARIE-TOOTH NEUROPATHY, AXONAL, TYPE 2O; CHARCOT-MARIE-TOOTH DISEASE, AXONAL, AUTOSOMAL DOMINANT, TYPE 2O; Charcot-Marie-Tooth Neuropathy Type 2O; Charcot-Marie-Tooth disease, axonal, type 20. Identifiers: Orphanet 284232, MedGen C3280220, MONDO:0013644, OMIM 614228.

Submission:

Labcorp Genetics (formerly Invitae), Labcorp
Classification: Uncertain significance for Charcot-Marie-Tooth disease axonal type 2O. Last evaluated: 2022-04-06. Review status: criteria provided, single submitter. Criteria: Invitae Variant Classification Sherloc (09022015). Collection method: clinical testing. Allele origin: germline.
Comment: In summary, the available evidence is currently insufficient to determine the role of this variant in disease. Therefore, it has been classified as a Variant of Uncertain Significance. This variant has not been reported in the literature in individuals affected with DYNC1H1-related conditions. This variant is not present in population databases (gnomAD no frequency). This sequence change creates a premature translational stop signal (p.Arg264*) in the DYNC1H1 gene. It is expected to result in an absent or disrupted protein product. However, the current clinical and genetic evidence is not sufficient to establish whether loss-of-function variants in DYNC1H1 cause disease.